The following is an entry in ClinVar:

NM_052936.5(ATG4A):c.94T>G (p.Leu32Val)

Gene: ATG4A (autophagy related 4A cysteine peptidase; plus strand). Cytogenetic location: Xq22.3.
Variant type: single nucleotide variant.
Coding change: c.94T>G on transcript NM_052936.5 (MANE Select); coding-DNA position 94, T replaced by G.
Protein change: p.Leu32Val; replaces leucine 32 with valine.
Molecular consequence: missense variant. On other transcripts: 5 prime UTR variant (5), non-coding transcript variant (1).
Genome position (GRCh38, 1-based): chrX:108,126,160, T>G. VCF-style: chrX-108126160-T-G. GRCh37 (hg19) VCF-style: chrX-107369390-T-G.
Other names: c.-440T>G (NM_001321287.2, NM_001321289.2, NM_178271.3); c.-138T>G (NM_001321288.2); c.-729T>G (NM_001321290.2); c.94T>G, p.Leu32Val (NM_178270.4); short protein forms L32V.
Identifiers: ClinVar variation 5041742 (VCV005041742.1).

ClinVar aggregate classification (germline): Uncertain significance (1 of 4 stars; one submission).

Submission:

CeGaT Center for Human Genetics Tuebingen
Classification: Uncertain significance. Last evaluated: 2026-09-01. Review status: criteria provided, single submitter. Criteria: CeGaT Center For Human Genetics Tuebingen Variant Classification Criteria Version 2. Collection method: clinical testing. Allele origin: germline. Affected: yes. Observed: 1 variant allele.
Comment: ATG4A: PM2